The following is an entry in ClinVar:

ClinVar aggregate classification (germline): Uncertain significance (1 of 4 stars; one submission).

Conditions:
Cornelia de Lange syndrome 1 (CDLS1). Also called: NIPBL-Related Cornelia de Lange Syndrome; TYPUS DEGENERATIVUS AMSTELODAMENSIS; Brachmann de Lange syndrome. Identifiers: Orphanet 199, MedGen C4551851, MONDO:0007387, OMIM 122470.

gnomAD v4.1: 1 of 1,614,190 alleles (0.000062%); highest among the groups gnomAD compares: Non-Finnish European, 0.000085%; no homozygotes.

Submission:

Labcorp Genetics (formerly Invitae), Labcorp
Classification: Uncertain significance for Cornelia de Lange syndrome 1. Last evaluated: 2022-01-11. Review status: criteria provided, single submitter. Criteria: Invitae Variant Classification Sherloc (09022015). Collection method: clinical testing. Allele origin: germline.
Comment: In summary, the available evidence is currently insufficient to determine the role of this variant in disease. Therefore, it has been classified as a Variant of Uncertain Significance. Advanced modeling of protein sequence and biophysical properties (such as structural, functional, and spatial information, amino acid conservation, physicochemical variation, residue mobility, and thermodynamic stability) performed at Invitae indicates that this missense variant is not expected to disrupt NIPBL protein function. This variant has not been reported in the literature in individuals affected with NIPBL-related conditions. This variant is not present in population databases (gnomAD no frequency). This sequence change replaces asparagine, which is neutral and polar, with threonine, which is neutral and polar, at codon 2603 of the NIPBL protein (p.Asn2603Thr).

NM_133433.4(NIPBL):c.7808A>C (p.Asn2603Thr)

Gene: NIPBL (NIPBL cohesin loading factor; plus strand). Cytogenetic location: 5p13.2.
Variant type: single nucleotide variant.
Coding change: c.7808A>C on transcript NM_133433.4 (MANE Select); coding-DNA position 7808, A replaced by C.
Protein change: p.Asn2603Thr; replaces asparagine 2603 with threonine.
Molecular consequence: missense variant.
Genome position (GRCh38, 1-based): chr5:37,060,966, A>C. VCF-style: chr5-37060966-A-C. GRCh37 (hg19) VCF-style: chr5-37061068-A-C.
Other names: c.7808A>C, p.Asn2603Thr (NM_015384.5); short protein forms N2603T.
Identifiers: ClinVar variation 1365846 (VCV001365846.8), dbSNP rs2149755591, ClinGen allele CA359518930.
Genomic context (GRCh38, chr5:37,060,966, plus strand): 5'-AAACAGGAGTTCATTTTCATCCAAAACAAACACTGGACTTCCTGCGGAGTGACATGGCTA[A>C]TTCCAAAATCACAGAAGAGGTGAAAAGGAGTATAGTAAAACAGTATCTAGATGTGAGTAG-3'
Protein context (NP_597677.2, residues 2593-2613): TLDFLRSDMA[Asn2603Thr]SKITEEVKRS